The following is an entry in ClinVar:

ClinVar aggregate classification (germline): Likely pathogenic. Review status: criteria provided, single submitter (1 of 4 stars). 2 submissions from 2 submitters: Likely pathogenic (1). 1 of the submissions does not count toward it. Last evaluated 2024-08-24.

Allele frequency attached by ClinVar (database versions not stated): ExAC 0.00001; TOPMed 0.00001; gnomAD exomes 0.00002.
gnomAD v4.1: 31 of 1,614,122 alleles (0.0019%); highest among the groups gnomAD compares: Non-Finnish European, 0.0025%; no homozygotes.

Submissions (2):

ARUP Laboratories, Molecular Genetics and Genomics, ARUP Laboratories
Classification: Likely pathogenic. Last evaluated: 2024-08-24. Review status: criteria provided, single submitter. Criteria: ARUP Molecular Germline Variant Investigation Process 2024. Collection method: clinical testing. Allele origin: germline.
Comment: The Hb Quebec-Chori variant (HBB: c.263C>T; p.Thr88Ile, also known as Thr87Ile when numbered from the mature protein, rs33993568, HbVar ID: 418) is not associated with clinical manifestations in heterozygous carriers but has been reported in trans to Hb S in multiple individuals with sickle cell disease (Goode 2020, Segal 2005, Tubman 2007, Witkowska 1991, HbVar database and references therein). The p.Thr88Ile variant is found in the non-Finnish European population with an allele frequency of 0.004% (4/113,718 alleles) in the Genome Aggregation Database (v2.1.1). Functional analyses suggest Hb Quebec-Chori exhibits normal oxygenation in isolation; however, the combination of Hb Quebec-Chori and Hb S is associated with increased sickling in hypoxic conditions compared to heterozygous Hb S alone (Witkowska 1991). Based on available information, the Hb Quebec-Chori variant is considered to be likely pathogenic. References: Link to HbVar database: Goode E et al. Hemoglobin S/Hemoglobin Quebec-Chori Presenting as Sickle Cell Disease: A Case Report. J Pediatr Hematol Oncol. 2020 Nov;42(8):e775-e777. PMID: 32657857. Segal L and Discepola M. Idiopathic intracranial hypertension and sickle cell disease: two case reports. Can J Ophthalmol. 2005 Dec;40(6):764-7. PMID: 16391644. Tubman VN et al. Sickle cell disease caused by Hb S/Quebec-CHORI: treatment with hydroxyurea and response. Pediatr Blood Cancer. 2007 Aug;49(2):207-10. PMID: 17551985. Witkowska HE et al. Sickle cell disease in a patient with sickle cell trait and compound heterozygosity for hemoglobin S and hemoglobin Quebec-Chori. N Engl J Med. 1991 Oct 17;325(16):1150-4. PMID: 1891024.

OMIM
Classification: Benign for HEMOGLOBIN QUEBEC-CHORI. Last evaluated: 2017-12-12. Review status: no assertion criteria provided. Collection method: literature only. Allele origin: germline. Not counted in ClinVar's aggregate classification.

Literature cited by the submitters: PubMed 1891024 (cited by OMIM).

NM_000518.4(HBB):c.263C>T (p.Thr88Ile)

Genes: HBB (hemoglobin subunit beta; minus strand), LOC106099062 (HBB recombination region; plus strand), LOC107133510 (origin of replication at HBB; plus strand). Cytogenetic location: 11p15.4.
Variant type: single nucleotide variant.
Coding change: c.263C>T on transcript NM_000518.4; coding-DNA position 263, C replaced by T.
Protein change: p.Thr88Ile; replaces threonine 88 with isoleucine.
Molecular consequence: missense variant (on NM_000518.5).
Genome position (GRCh38, 1-based): chr11:5,226,629, G>A on the plus strand (C>T on the coding strand, the complement: HBB is on the minus strand). VCF-style: chr11-5226629-G-A. GRCh37 (hg19) VCF-style: chr11-5247859-G-A.
Other names: T87I; Hb Quebec-Chori; c.263C>T, p.Thr88Ile (NM_000518.5); short protein forms T88I.
Identifiers: ClinVar variation 15493 (VCV000015493.3), dbSNP rs33993568, ClinGen allele CA125355.